The following is an entry in ClinVar:

ClinVar aggregate classification (germline): Benign/Likely benign. Review status: criteria provided, multiple submitters, no conflicts (2 of 4 stars). 10 submissions from 10 submitters: Benign (8); Likely benign (1). 1 of the submissions does not count toward it. Last evaluated 2026-05-30.

Conditions:
Retinal dystrophy. Also called: Inherited retinal dystrophy. Identifiers: Orphanet 71862, MedGen C0854723, MeSH D058499, MONDO:0019118, HP:0000556.
Usher syndrome type 2A. Also called: RETINAL DISEASE IN USHER SYNDROME TYPE IIA, MODIFIER OF; USHER SYNDROME, TYPE IIA. Identifiers: Orphanet 231178, Orphanet 886, MedGen C1848634, MONDO:0010169, OMIM 276901.

Allele frequency attached by ClinVar (database versions not stated): TOPMed 0.05993; 1000 Genomes Project 0.08706; gnomAD exomes 0.05048 and 0.05492; gnomAD 0.05402 and 0.05590; 1000 Genomes Project 30x 0.08838; ExAC 0.05526; ESP Exome Variant Server 0.05274.
gnomAD v4.1: 82,839 of 1,613,676 alleles (5.1%); highest among the groups gnomAD compares: East Asian, 15%; 2,777 homozygotes.

Submissions (10):

Women's Health and Genetics/Laboratory Corporation of America, LabCorp
Classification: Likely benign. Last evaluated: 2026-05-30. Review status: criteria provided, single submitter. Criteria: LabCorp Variant Classification Summary - May 2015. Collection method: clinical testing. Allele origin: germline.

Labcorp Genetics (formerly Invitae), Labcorp
Classification: Benign. Last evaluated: 2026-02-04. Review status: criteria provided, single submitter. Criteria: Invitae Variant Classification Sherloc (09022015). Collection method: clinical testing. Allele origin: germline.

Dept Of Ophthalmology, Nagoya University
Classification: Benign for Retinal dystrophy. Last evaluated: 2023-10-01. Review status: criteria provided, single submitter. Criteria: Submitter's publication. Collection method: research. Allele origin: germline. Affected: yes.

Genome-Nilou Lab
Classification: Benign for Usher syndrome type 2A. Last evaluated: 2021-07-01. Review status: criteria provided, single submitter. Criteria: ACMG Guidelines, 2015. Collection method: clinical testing. Allele origin: germline. Affected: no.

Mayo Clinic Laboratories, Mayo Clinic
Classification: Benign. Last evaluated: 2021-02-27. Review status: criteria provided, single submitter. Criteria: ACMG Guidelines, 2015. Collection method: clinical testing. Allele origin: germline. Observed: 6 variant alleles.

GeneDx
Classification: Benign. Last evaluated: 2011-08-18. Review status: criteria provided, single submitter. Criteria: GeneDx Variant Classification (06012015). Collection method: clinical testing. Allele origin: germline. Affected: yes.
Comment: This variant is considered likely benign or benign based on one or more of the following criteria: it is a conservative change, it occurs at a poorly conserved position in the protein, it is predicted to be benign by multiple in silico algorithms, and/or has population frequency not consistent with disease.

Laboratory for Molecular Medicine, Mass General Brigham Personalized Medicine
Classification: Benign. Last evaluated: 2008-03-14. Review status: criteria provided, single submitter. Criteria: LMM Criteria. Collection method: clinical testing. Allele origin: germline. Observed: 223 variant alleles.

Breakthrough Genomics
Classification: Benign. Review status: criteria provided, single submitter. Criteria: ACMG Guidelines, 2015. Collection method: not provided. Allele origin: germline. Inheritance: Autosomal recessive inheritance. Affected: yes.

PreventionGenetics, part of Exact Sciences
Classification: Benign. Review status: criteria provided, single submitter. Criteria: ACMG Guidelines, 2015. Collection method: clinical testing. Allele origin: germline.

Natera, Inc.
Classification: Benign for Usher syndrome type 2A. Last evaluated: 2020-09-16. Review status: no assertion criteria provided. Collection method: clinical testing. Allele origin: germline. Not counted in ClinVar's aggregate classification.

NM_206933.4(USH2A):c.9595A>G (p.Asn3199Asp)

Gene: USH2A (usherin; minus strand). Cytogenetic location: 1q41.
Variant type: single nucleotide variant.
Coding change: c.9595A>G on transcript NM_206933.4 (MANE Select); coding-DNA position 9595, A replaced by G.
Protein change: p.Asn3199Asp; replaces asparagine 3199 with aspartic acid.
Molecular consequence: missense variant.
Genome position (GRCh38, 1-based): chr1:215,813,880, T>C on the plus strand (A>G on the coding strand, the complement: USH2A is on the minus strand). VCF-style: chr1-215813880-T-C. GRCh37 (hg19) VCF-style: chr1-215987222-T-C.
Other names: p.N3199D:AAC>GAC; short protein forms N3199D.
Identifiers: ClinVar variation 48631 (VCV000048631.22), dbSNP rs4129843, ClinGen allele CA143668.
Genomic context (GRCh38, chr1:215,813,880, plus strand): 5'-TAGAATTCAGAACAAACGGGATATACTTTTCTTCACAACAGCGATGTCCAGGCTTGGGGT[T>C]ATAGAGCACTCCGTTACAACAAACCTGAAAGTTTGAAAACAGTTTTAAAGAAATATCAGT-3'
Protein context (NP_996816.3, residues 3189-3209): AKVCCNGVLY[Asn3199Asp]PKPGHRCCEE